The following is an entry in ClinVar:

ClinVar aggregate classification (germline): Uncertain significance. Review status: criteria provided, multiple submitters, no conflicts (2 of 4 stars). 3 submissions from 3 submitters: Uncertain significance (2). 1 of the submissions does not count toward it. Last evaluated 2024-09-03.

Conditions:
PLXNA2-related disorder. Also called: PLXNA2-related condition.

Allele frequency attached by ClinVar (database versions not stated): gnomAD 0.00001; gnomAD exomes 0.00002; ExAC 0.00004; ESP Exome Variant Server 0.00008.

Submissions (3):

Ambry Genetics
Classification: Uncertain significance. Last evaluated: 2024-09-03. Review status: criteria provided, single submitter. Criteria: Ambry Variant Classification Scheme 2023. Collection method: clinical testing. Allele origin: germline.

Labcorp Genetics (formerly Invitae), Labcorp
Classification: Uncertain significance. Last evaluated: 2022-11-15. Review status: criteria provided, single submitter. Criteria: Invitae Variant Classification Sherloc (09022015). Collection method: clinical testing. Allele origin: germline.
Comment: This variant is present in population databases (rs144501612, gnomAD 0.02%). In summary, the available evidence is currently insufficient to determine the role of this variant in disease. Therefore, it has been classified as a Variant of Uncertain Significance. Advanced modeling of protein sequence and biophysical properties (such as structural, functional, and spatial information, amino acid conservation, physicochemical variation, residue mobility, and thermodynamic stability) performed at Invitae indicates that this missense variant is not expected to disrupt PLXNA2 protein function. This variant has not been reported in the literature in individuals affected with PLXNA2-related conditions. This sequence change replaces arginine, which is basic and polar, with glutamine, which is neutral and polar, at codon 808 of the PLXNA2 protein (p.Arg808Gln).

PreventionGenetics, part of Exact Sciences
Classification: Uncertain significance for PLXNA2-related condition. Last evaluated: 2024-03-06. Review status: no assertion criteria provided. Collection method: clinical testing. Allele origin: germline. Not counted in ClinVar's aggregate classification.
Comment: The PLXNA2 c.2423G>A variant is predicted to result in the amino acid substitution p.Arg808Gln. To our knowledge, this variant has not been reported in the literature. This variant is reported in 0.011% of alleles in individuals of East Asian descent in gnomAD. At this time, the clinical significance of this variant is uncertain due to the absence of conclusive functional and genetic evidence.

NM_025179.4(PLXNA2):c.2423G>A (p.Arg808Gln)

Gene: PLXNA2 (plexin A2; minus strand). Cytogenetic location: 1q32.2.
Variant type: single nucleotide variant.
Coding change: c.2423G>A on transcript NM_025179.4 (MANE Select); coding-DNA position 2423, G replaced by A.
Protein change: p.Arg808Gln; replaces arginine 808 with glutamine.
Molecular consequence: missense variant.
Genome position (GRCh38, 1-based): chr1:208,079,423, C>T on the plus strand (G>A on the coding strand, the complement: PLXNA2 is on the minus strand). VCF-style: chr1-208079423-C-T. GRCh37 (hg19) VCF-style: chr1-208252768-C-T.
Other names: c.2423G>A (NM_025179.3); short protein forms R808Q.
Identifiers: ClinVar variation 1934099 (VCV001934099.7), dbSNP rs144501612, ClinGen allele CA1373517.